The following is an entry in ClinVar:

NM_017780.4(CHD7):c.1918_1919delinsTT (p.Glu640Leu)

Genes: CHD7 (chromodomain helicase DNA binding protein 7; plus strand), LOC126860403 (CDK7 strongly-dependent group 2 enhancer GRCh37_chr8:61693034-61694233; plus strand). Cytogenetic location: 8q12.2.
Variant type: Indel.
Coding change: c.1918_1919delinsTT on transcript NM_017780.4 (MANE Select); coding-DNA positions 1918 to 1919, GA replaced by TT.
Protein change: p.Glu640Leu; replaces glutamic acid 640 with leucine.
Molecular consequence: missense variant. On other transcripts: intron variant (1).
Genome position (GRCh38, 1-based): chr8:60,781,252-60,781,253, GA replaced by TT. VCF-style: chr8-60781252-GA-TT. GRCh37 (hg19) VCF-style: chr8-61693811-GA-TT.
Other names: c.1716+202_1716+203delinsTT (NM_001316690.1); c.1918_1919delinsTT (NM_017780.3); short protein forms E640L.
Identifiers: ClinVar variation 2140939 (VCV002140939.6), dbSNP rs2487539187, ClinGen allele CA2580078444.
Genomic context (GRCh38, chr8:60,781,252, plus strand): 5'-TTCCCTGGTGGGGTAGATAACCAAGAACTAAATAGGAACTCACTGGATGGGTCCCAAGAA[GA>TT]AAAAAAGAAAAAGAAAAGGTCAAAGGCAAAAAAAGACCCGAAGGAACCGAAAGAACCCAA-3'
Protein context (NP_060250.2, residues 630-650): NRNSLDGSQE[Glu640Leu]KKKKKRSKAK

ClinVar aggregate classification (germline): Uncertain significance. Review status: criteria provided, multiple submitters, no conflicts (2 of 4 stars). 3 submissions from 3 submitters: Uncertain significance (3). Last evaluated 2025-10-07.

Conditions:
Hypogonadotropic hypogonadism 5 with or without anosmia (KAL5). Also called: HYPOGONADOTROPIC HYPOGONADISM 5 WITH ANOSMIA; HYPOGONADOTROPHIC HYPOGONADISM 5 WITHOUT ANOSMIA; CHD7-Related GnRH Deficiency (Kallmann Syndrome 5). Identifiers: Orphanet 478, MedGen C3552553, MONDO:0012880, OMIM 612370. Disease mechanism: loss of function.
CHARGE syndrome (CHARGE). Also called: Hittner Hirsch Kreh syndrome; CHARGE ASSOCIATION--COLOBOMA, HEART ANOMALY, CHOANAL ATRESIA, RETARDATION, GENITAL AND EAR ANOMALIES; Coloboma, heart anomaly, choanal atresia, retardation, genital and ear anomalies; CHARGE association; Hall-Hittner syndrome. Identifiers: Orphanet 138, MedGen C0265354, MONDO:0008965.
CHD7-related disorder. Also called: CHD7-related condition.

Submissions (3):

Labcorp Genetics (formerly Invitae), Labcorp
Classification: Uncertain significance for CHARGE syndrome. Last evaluated: 2025-10-07. Review status: criteria provided, single submitter. Criteria: Invitae Variant Classification Sherloc (09022015). Collection method: clinical testing. Allele origin: germline.
Comment: This sequence change replaces glutamic acid, which is acidic and polar, with leucine, which is neutral and non-polar, at codon 640 of the CHD7 protein (p.Glu640Leu). Information on the frequency of this variant in the gnomAD database is not available, as this variant may be reported differently in the database. This variant has not been reported in the literature in individuals affected with CHD7-related conditions. ClinVar contains an entry for this variant (Variation ID: 2140939). An algorithm developed to predict the effect of missense changes on protein structure and function (PolyPhen-2) suggests that this variant is likely to be disruptive. In summary, the available evidence is currently insufficient to determine the role of this variant in disease. Therefore, it has been classified as a Variant of Uncertain Significance.

PreventionGenetics, part of Exact Sciences
Classification: Uncertain significance for CHD7-related condition. Last evaluated: 2024-10-09. Review status: criteria provided, single submitter. Criteria: ACMG Guidelines, 2015. Collection method: clinical testing. Allele origin: germline.
Comment: The CHD7 c.1918_1919delinsTT variant is predicted to result in an in-frame deletion and insertion. To our knowledge, this variant has not been reported in the literature or in a large population database (gnomAD), indicating this variant is rare. At this time, the clinical significance of this variant is uncertain due to the absence of conclusive functional and genetic evidence.

Fulgent Genetics
Classification: Uncertain significance for CHD7-related CHARGE syndrome; Hypogonadotropic hypogonadism 5 with or without anosmia. Last evaluated: 2024-03-09. Review status: criteria provided, single submitter. Criteria: ACMG Guidelines, 2015. Collection method: clinical testing. Allele origin: germline.